The following is an entry in ClinVar:

ClinVar aggregate classification (germline): Uncertain significance (1 of 4 stars; one submission).

gnomAD v4.1: 1 of 1,614,002 alleles (0.000062%); highest among the groups gnomAD compares: African/African-American, 0.0013%; no homozygotes.

Submission:

Labcorp Genetics (formerly Invitae), Labcorp
Classification: Uncertain significance. Last evaluated: 2024-08-25. Review status: criteria provided, single submitter. Criteria: Invitae Variant Classification Sherloc (09022015). Collection method: clinical testing. Allele origin: germline.
Comment: This sequence change replaces arginine, which is basic and polar, with lysine, which is basic and polar, at codon 266 of the IKZF1 protein (p.Arg266Lys). This variant is not present in population databases (gnomAD no frequency). This variant has not been reported in the literature in individuals affected with IKZF1-related conditions. An algorithm developed to predict the effect of missense changes on protein structure and function (PolyPhen-2) suggests that this variant is likely to be disruptive. In summary, the available evidence is currently insufficient to determine the role of this variant in disease. Therefore, it has been classified as a Variant of Uncertain Significance.

NM_006060.6(IKZF1):c.797G>A (p.Arg266Lys)

Gene: IKZF1 (IKAROS family zinc finger 1; plus strand). Cytogenetic location: 7p12.2.
Variant type: single nucleotide variant.
Coding change: c.797G>A on transcript NM_006060.6 (MANE Select); coding-DNA position 797, G replaced by A.
Protein change: p.Arg266Lys; replaces arginine 266 with lysine.
Molecular consequence: missense variant. On other transcripts: intron variant (3).
Genome position (GRCh38, 1-based): chr7:50,391,810, G>A. VCF-style: chr7-50391810-G-A. GRCh37 (hg19) VCF-style: chr7-50459508-G-A.
Other names: c.590-8108G>A (NM_001220768.2); c.422-8108G>A (NM_001220771.2); c.161-8108G>A (NM_001291840.1); c.671G>A, p.Arg224Lys (NM_001220765.3, NM_001291837.2); c.536G>A, p.Arg179Lys (NM_001220767.2, NM_001291838.2); c.410G>A, p.Arg137Lys (NM_001220770.2, NM_001291839.2); c.368G>A, p.Arg123Lys (NM_001291841.1, NM_001291842.1); c.242G>A, p.Arg81Lys (NM_001291843.1, NM_001291844.1); and 1 more; short protein forms R137K, R224K, R81K, R266K, R286K, R123K, R179K.
Identifiers: ClinVar variation 3693378 (VCV003693378.2).
Genomic context (GRCh38, chr7:50,391,810, plus strand): 5'-ACAGTGAAATGGCAGAAGACCTGTGCAAGATAGGATCAGAGAGATCTCTCGTGCTGGACA[G>A]ACTAGCAAGTAACGTCGCCAAACGTAAGAGCTCTATGCCTCAGAAATTTCTTGGTAAGAG-3'
Protein context (NP_006051.1, residues 256-276): IGSERSLVLD[Arg266Lys]LASNVAKRKS